The following is an entry in ClinVar:

ClinVar aggregate classification (germline): Likely benign (0 of 4 stars; one submission).

Conditions:
TIE1-related disorder. Also called: TIE1-related condition.

Allele frequency attached by ClinVar (database versions not stated): 1000 Genomes Project 30x 0.00016; 1000 Genomes Project 0.00020; TOPMed 0.00038; gnomAD 0.00040; ESP Exome Variant Server 0.00046.
gnomAD v4.1: 391 of 1,614,198 alleles (0.024%); highest among the groups gnomAD compares: Admixed American, 0.035%; no homozygotes.

Submission:

PreventionGenetics, part of Exact Sciences
Classification: Likely benign for TIE1-related condition. Last evaluated: 2023-02-01. Review status: no assertion criteria provided. Collection method: clinical testing. Allele origin: germline.
Comment: This variant is classified as likely benign based on ACMG/AMP sequence variant interpretation guidelines (Richards et al. 2015 PMID: 25741868, with internal and published modifications).

NM_005424.5(TIE1):c.2497G>A (p.Val833Met)

Gene: TIE1 (tyrosine kinase with immunoglobulin like and EGF like domains 1; plus strand). Cytogenetic location: 1p34.2.
Variant type: single nucleotide variant.
Coding change: c.2497G>A on transcript NM_005424.5 (MANE Select); coding-DNA position 2497, G replaced by A.
Protein change: p.Val833Met; replaces valine 833 with methionine.
Molecular consequence: missense variant.
Genome position (GRCh38, 1-based): chr1:43,317,286, G>A. VCF-style: chr1-43317286-G-A. GRCh37 (hg19) VCF-style: chr1-43782957-G-A.
Other names: c.2362G>A, p.Val788Met (NM_001253357.2); short protein forms V788M, V833M.
Identifiers: ClinVar variation 3040301 (VCV003040301.2), dbSNP rs139358114, ClinGen allele CA806252.
Genomic context (GRCh38, chr1:43,317,286, plus strand): 5'-TCAGGGACCTTGACACTTACCCGGCGGCCAAAACTGCAGCCCGAGCCCCTGAGCTACCCA[G>A]TGCTAGAGTGGGAGGACATCACCTTTGAGGACCTCATCGGGGAGGGGAACTTCGGCCAGG-3'
Protein context (NP_005415.1, residues 823-843): KLQPEPLSYP[Val833Met]LEWEDITFED